The following is an entry in ClinVar:

ClinVar aggregate classification (germline): Uncertain significance (1 of 4 stars; one submission).

gnomAD v4.1: 11 of 1,614,110 alleles (0.00068%); no homozygotes.

Submission:

Ambry Genetics
Classification: Uncertain significance. Last evaluated: 2025-03-18. Review status: criteria provided, single submitter. Criteria: Ambry Variant Classification Scheme 2023. Collection method: clinical testing. Allele origin: germline.
Comment: The p.A132D variant (also known as c.395C>A), located in coding exon 3 of the GEN1 gene, results from a C to A substitution at nucleotide position 395. The alanine at codon 132 is replaced by aspartic acid, an amino acid with dissimilar properties. This amino acid position is conserved. In addition, the in silico prediction for this alteration is inconclusive. Based on the available evidence, the clinical significance of this variant remains unclear.

NM_001130009.3(GEN1):c.395C>A (p.Ala132Asp)

Gene: GEN1 (GEN1 Holliday junction 5' flap endonuclease; plus strand). Cytogenetic location: 2p24.2.
Variant type: single nucleotide variant.
Coding change: c.395C>A on transcript NM_001130009.3 (MANE Select); coding-DNA position 395, C replaced by A.
Protein change: p.Ala132Asp; replaces alanine 132 with aspartic acid.
Molecular consequence: missense variant.
Genome position (GRCh38, 1-based): chr2:17,764,943, C>A. VCF-style: chr2-17764943-C-A. GRCh37 (hg19) VCF-style: chr2-17946210-C-A.
Other names: c.395C>A, p.Ala132Asp (NM_182625.5); short protein forms A132D.
Identifiers: ClinVar variation 4029155 (VCV004029155.1).
Genomic context (GRCh38, chr2:17,764,943, plus strand): 5'-CTTTTTGTTTTCAGTGCCTCCATATGCTCGAATGCTTAGGAATCCCCTGGGTTCAGGCTG[C>A]TGGGGAAGCTGAAGCCATGTGTGCTTATCTCAATGCTGGTGGTCATGTCGATGGCTGCCT-3'
Protein context (NP_001123481.3, residues 122-142): ECLGIPWVQA[Ala132Asp]GEAEAMCAYL